The following is an entry in ClinVar:

NM_000642.3(AGL):c.4331A>T (p.Asn1444Ile)

Gene: AGL (amylo-alpha-1,6-glucosidase and 4-alpha-glucanotransferase; plus strand). Cytogenetic location: 1p21.2.
Variant type: single nucleotide variant.
Coding change: c.4331A>T on transcript NM_000642.3 (MANE Select); coding-DNA position 4331, A replaced by T.
Protein change: p.Asn1444Ile; replaces asparagine 1444 with isoleucine.
Molecular consequence: missense variant.
Genome position (GRCh38, 1-based): chr1:99,916,481, A>T. VCF-style: chr1-99916481-A-T. GRCh37 (hg19) VCF-style: chr1-100382037-A-T.
Other names: c.4331A>T, p.Asn1444Ile (NM_000028.3, NM_000643.3, NM_000644.3 and 1 more transcripts); c.4283A>T, p.Asn1428Ile (NM_000646.3); c.4310A>T, p.Asn1437Ile (NM_001425326.1); c.4130A>T, p.Asn1377Ile (NM_001425327.1); c.4127A>T, p.Asn1376Ile (NM_001425328.1); c.3992A>T, p.Asn1331Ile (NM_001425329.1); c.3953A>T, p.Asn1318Ile (NM_001425332.1); short protein forms N1428I, N1444I, N1318I, N1331I, N1376I, N1377I, N1437I.
Identifiers: ClinVar variation 664051 (VCV000664051.7), dbSNP rs143815159, ClinGen allele CA967402.

ClinVar aggregate classification (germline): Uncertain significance. Review status: criteria provided, single submitter (1 of 4 stars). 2 submissions from 2 submitters: Uncertain significance (1). 1 of the submissions does not count toward it. Last evaluated 2022-09-12.

Conditions:
Glycogen storage disease type III (GSD3). Also called: FORBES DISEASE; Cori disease. Identifiers: Orphanet 366, MedGen C0017922, MONDO:0009291, OMIM 232400.

Allele frequency attached by ClinVar (database versions not stated): TOPMed 0.00002.
gnomAD v4.1: 8 of 1,611,824 alleles (0.0005%); highest among the groups gnomAD compares: African/African-American, 0.008%; no homozygotes.

Submissions (2):

Labcorp Genetics (formerly Invitae), Labcorp
Classification: Uncertain significance for Glycogen storage disease type III. Last evaluated: 2022-09-12. Review status: criteria provided, single submitter. Criteria: Invitae Variant Classification Sherloc (09022015). Collection method: clinical testing. Allele origin: germline.
Comment: ClinVar contains an entry for this variant (Variation ID: 664051). Advanced modeling of protein sequence and biophysical properties (such as structural, functional, and spatial information, amino acid conservation, physicochemical variation, residue mobility, and thermodynamic stability) performed at Invitae indicates that this missense variant is expected to disrupt AGL protein function. In summary, the available evidence is currently insufficient to determine the role of this variant in disease. Therefore, it has been classified as a Variant of Uncertain Significance. This variant has not been reported in the literature in individuals affected with AGL-related conditions. This variant is present in population databases (rs143815159, gnomAD 0.02%). This sequence change replaces asparagine, which is neutral and polar, with isoleucine, which is neutral and non-polar, at codon 1444 of the AGL protein (p.Asn1444Ile).

Natera, Inc.
Classification: Uncertain significance for Glycogen storage disease type III. Last evaluated: 2020-09-16. Review status: no assertion criteria provided. Collection method: clinical testing. Allele origin: germline. Not counted in ClinVar's aggregate classification.